The following is an entry in ClinVar:

ClinVar aggregate classification (germline): Uncertain significance (1 of 4 stars; one submission).

Submission:

GeneDx
Classification: Uncertain significance. Last evaluated: 2017-06-12. Review status: criteria provided, single submitter. Criteria: GeneDx Variant Classification (06012015). Collection method: clinical testing. Allele origin: germline. Affected: yes.
Comment: A variant of uncertain significance has been identified in the CASK gene. The c.2222 G>A variant has not been published as a pathogenic variant, nor has it been reported as a benign variant to our knowledge. The c.2222 G>A variant is not observed in large population cohorts (Lek et al., 2016; 1000 Genomes Consortium et al., 2015; Exome Variant Server). Several in-silico splice prediction models predict that c.2222 G>A may damage the natural splice acceptor site and lead to abnormal gene splicing; however, in the absence of RNA/functional studies, the actual effect of this sequence change in this individual is unknown. If c.2222 G>A does not alter splicing, it will result in the G741D missense change, which is a non-conservative amino acid substitution that is likely to impact secondary protein structure as these residues differ in polarity, charge, size and/or other properties. This substitution occurs at a position that is conserved across species, and in silico analysis predicts this variant is probably damaging to the protein structure/function. Therefore, based on the currently available information, it is unclear whether this variant is a pathogenic variant or a rare benign variant.

NM_001367721.1(CASK):c.2237G>A (p.Gly746Asp)

Gene: CASK (calcium/calmodulin dependent serine protein kinase; minus strand). Cytogenetic location: Xp11.4.
Variant type: single nucleotide variant.
Coding change: c.2237G>A on transcript NM_001367721.1 (MANE Select); coding-DNA position 2237, G replaced by A.
Protein change: p.Gly746Asp; replaces glycine 746 with aspartic acid.
Molecular consequence: missense variant.
Genome position (GRCh38, 1-based): chrX:41,534,786, C>T on the plus strand (G>A on the coding strand, the complement: CASK is on the minus strand). VCF-style: chrX-41534786-C-T. GRCh37 (hg19) VCF-style: chrX-41394039-C-T.
Other names: c.2153G>A, p.Gly718Asp (NM_001126054.3); c.2150G>A, p.Gly717Asp (NM_001126055.3); c.2219G>A, p.Gly740Asp (NM_001410745.1); c.2222G>A, p.Gly741Asp (NM_003688.4); short protein forms G741D, G717D, G718D, G746D, G740D.
Identifiers: ClinVar variation 432648 (VCV000432648.2), dbSNP rs1555975493, ClinGen allele CA412991689.